The following is an entry in ClinVar:

NM_020708.5(SLC12A5):c.649G>T (p.Glu217Ter)

Gene: SLC12A5 (solute carrier family 12 member 5; plus strand). Cytogenetic location: 20q13.12.
Variant type: single nucleotide variant.
Coding change: c.649G>T on transcript NM_020708.5 (MANE Select); coding-DNA position 649, G replaced by T.
Protein change: p.Glu217Ter; replaces glutamic acid 217 with a stop codon.
Molecular consequence: nonsense.
Genome position (GRCh38, 1-based): chr20:46,040,409, G>T. VCF-style: chr20-46040409-G-T. GRCh37 (hg19) VCF-style: chr20-44669048-G-T.
Other names: c.718G>T, p.Glu240Ter (NM_001134771.2); short protein forms E217*, E240*.
Identifiers: ClinVar variation 3900703 (VCV003900703.1).

ClinVar aggregate classification (germline): Uncertain significance (1 of 4 stars; one submission).

Conditions:
Epilepsy, idiopathic generalized, susceptibility to, 14 (EIG14). Identifiers: MedGen C4225245, MONDO:0014734, OMIM 616685.

Submission:

MVZ Medizinische Genetik Mainz
Classification: Uncertain significance for Epilepsy, idiopathic generalized, susceptibility to, 14. Last evaluated: 2025-04-25. Review status: criteria provided, single submitter. Criteria: UK Practice Guidelines For Variant Classification V4 01 2020. Collection method: clinical testing. Allele origin: germline. Inheritance: Autosomal dominant inheritance. Affected: yes. Observed: 1 variant allele.
Comment: ACMG Criteria: PVS1_STR,PM2_SUP